The following is an entry in ClinVar:

ClinVar aggregate classification (germline): Conflicting classifications of pathogenicity. Review status: criteria provided, conflicting classifications (1 of 4 stars). 2 submissions from 2 submitters: Uncertain significance (1); Likely benign (1). Last evaluated 2024-06-17.

Conditions:
Hereditary diffuse gastric adenocarcinoma (HDGC). Also called: DIFFUSE GASTRIC AND LOBULAR BREAST CANCER SYNDROME. Identifiers: Orphanet 26106, MedGen C1708349, MONDO:0007648, OMIM 137215.
Hereditary cancer-predisposing syndrome. Also called: Tumor predisposition; Neoplastic Syndromes, Hereditary; Hereditary Cancer Syndrome; Hereditary neoplastic syndrome. Identifiers: Orphanet 140162, MedGen C0027672, MeSH D009386, MONDO:0015356.

Submissions (2):

Labcorp Genetics (formerly Invitae), Labcorp
Classification: Uncertain significance for Hereditary diffuse gastric adenocarcinoma. Last evaluated: 2024-06-17. Review status: criteria provided, single submitter. Criteria: Invitae Variant Classification Sherloc (09022015). Collection method: clinical testing. Allele origin: germline.
Comment: This sequence change replaces glutamine, which is neutral and polar, with glutamic acid, which is acidic and polar, at codon 95 of the CDH1 protein (p.Gln95Glu). This variant is not present in population databases (gnomAD no frequency). This variant has not been reported in the literature in individuals affected with CDH1-related conditions. ClinVar contains an entry for this variant (Variation ID: 2587439). Algorithms developed to predict the effect of missense changes on protein structure and function output the following: SIFT: "Not Available"; PolyPhen-2: "Benign"; Align-GVGD: "Not Available". The glutamic acid amino acid residue is found in multiple mammalian species, which suggests that this missense change does not adversely affect protein function. In summary, the available evidence is currently insufficient to determine the role of this variant in disease. Therefore, it has been classified as a Variant of Uncertain Significance.

Ambry Genetics
Classification: Likely benign for Hereditary cancer-predisposing syndrome. Last evaluated: 2023-09-13. Review status: criteria provided, single submitter. Criteria: Ambry Variant Classification Scheme 2023. Collection method: clinical testing. Allele origin: germline.

NM_004360.5(CDH1):c.283C>G (p.Gln95Glu)

Gene: CDH1 (cadherin 1; plus strand). Cytogenetic location: 16q22.1.
Variant type: single nucleotide variant.
Coding change: c.283C>G on transcript NM_004360.5 (MANE Select); coding-DNA position 283, C replaced by G.
Protein change: p.Gln95Glu; replaces glutamine 95 with glutamic acid.
Molecular consequence: missense variant. On other transcripts: 5 prime UTR variant (2).
Genome position (GRCh38, 1-based): chr16:68,801,789, C>G. VCF-style: chr16-68801789-C-G. GRCh37 (hg19) VCF-style: chr16-68835692-C-G.
Other names: c.283C>G, p.Gln95Glu (NM_001317184.2); c.-1333C>G (NM_001317185.2); c.-1537C>G (NM_001317186.2); short protein forms Q95E.
Identifiers: ClinVar variation 2587439 (VCV002587439.4), dbSNP rs781409616, ClinGen allele CA396457303.
Genomic context (GRCh38, chr16:68,801,789, plus strand): 5'-TTCAAAGTGGGCACAGATGGTGTGATTACAGTCAAAAGGCCTCTACGGTTTCATAACCCA[C>G]AGATCCATTTCTTGGTCTACGCCTGGGACTCCACCTACAGAAAGTTTTCCACCAAAGTCA-3'
Protein context (NP_004351.1, residues 85-105): VKRPLRFHNP[Gln95Glu]IHFLVYAWDS